The following is an entry in ClinVar:

NM_001006630.2(CHRM2):c.13A>G (p.Thr5Ala)

Genes: CHRM2 (cholinergic receptor muscarinic 2; plus strand), LOC349160 (uncharacterized LOC349160; minus strand). Cytogenetic location: 7q33.
Variant type: single nucleotide variant.
Coding change: c.13A>G on transcript NM_001006630.2 (MANE Select); coding-DNA position 13, A replaced by G.
Protein change: p.Thr5Ala; replaces threonine 5 with alanine.
Molecular consequence: missense variant.
Genome position (GRCh38, 1-based): chr7:137,014,878, A>G. VCF-style: chr7-137014878-A-G. GRCh37 (hg19) VCF-style: chr7-136699625-A-G.
Other names: c.13A>G, p.Thr5Ala (NM_001006629.3, NM_001006631.3, NM_001006632.3 and 6 more transcripts); short protein forms T5A.
Identifiers: ClinVar variation 3715562 (VCV003715562.3).

ClinVar aggregate classification (germline): Uncertain significance. Review status: criteria provided, multiple submitters, no conflicts (2 of 4 stars). 2 submissions from 2 submitters: Uncertain significance (2). Last evaluated 2025-05-17.

gnomAD v4.1: 1 of 1,613,084 alleles (0.000062%); highest among the groups gnomAD compares: South Asian, 0.0011%; no homozygotes.

Submissions (2):

Ambry Genetics
Classification: Uncertain significance. Last evaluated: 2025-05-17. Review status: criteria provided, single submitter. Criteria: Ambry Variant Classification Scheme 2023. Collection method: clinical testing. Allele origin: germline.

Labcorp Genetics (formerly Invitae), Labcorp
Classification: Uncertain significance. Last evaluated: 2024-11-18. Review status: criteria provided, single submitter. Criteria: Invitae Variant Classification Sherloc (09022015). Collection method: clinical testing. Allele origin: germline.
Comment: This sequence change replaces threonine, which is neutral and polar, with alanine, which is neutral and non-polar, at codon 5 of the CHRM2 protein (p.Thr5Ala). This variant is not present in population databases (gnomAD no frequency). This variant has not been reported in the literature in individuals affected with CHRM2-related conditions. Experimental studies and prediction algorithms are not available or were not evaluated, and the functional significance of this variant is currently unknown. In summary, the available evidence is currently insufficient to determine the role of this variant in disease. Therefore, it has been classified as a Variant of Uncertain Significance.